The following is an entry in ClinVar:

NM_014975.3(MAST1):c.2627C>G (p.Pro876Arg)

Gene: MAST1 (microtubule associated serine/threonine kinase 1; plus strand). Cytogenetic location: 19p13.13.
Variant type: single nucleotide variant.
Coding change: c.2627C>G on transcript NM_014975.3 (MANE Select); coding-DNA position 2627, C replaced by G.
Protein change: p.Pro876Arg; replaces proline 876 with arginine.
Molecular consequence: missense variant.
Genome position (GRCh38, 1-based): chr19:12,868,703, C>G. VCF-style: chr19-12868703-C-G. GRCh37 (hg19) VCF-style: chr19-12979517-C-G.
Other names: short protein forms P876R.
Identifiers: ClinVar variation 4530731 (VCV004530731.2).

ClinVar aggregate classification (germline): Uncertain significance (1 of 4 stars; one submission).

Submission:

GeneDx
Classification: Uncertain significance. Last evaluated: 2026-08-17. Review status: criteria provided, single submitter. Criteria: GeneDx Variant Classification Process June 2021. Collection method: clinical testing. Allele origin: germline.
Comment: Not observed at significant frequency in large population cohorts (gnomAD); In silico analysis supports that this missense variant has a deleterious effect on protein structure/function; Has not been previously published as pathogenic or benign to our knowledge